The following is an entry in ClinVar:

ClinVar aggregate classification (germline): Conflicting classifications of pathogenicity. Review status: criteria provided, conflicting classifications (1 of 4 stars). 4 submissions from 4 submitters: Uncertain significance (2); Likely benign (1). 1 of the submissions does not count toward it. Last evaluated 2026-01-28.

Conditions:
NF1-related disorder. Also called: NF1-related condition. Identifiers: MedGen CN379171.
Hereditary cancer-predisposing syndrome. Also called: Tumor predisposition; Neoplastic Syndromes, Hereditary; Hereditary Cancer Syndrome; Hereditary neoplastic syndrome. Identifiers: Orphanet 140162, MedGen C0027672, MeSH D009386, MONDO:0015356.
Cardiovascular phenotype. Identifiers: MedGen CN230736.
Neurofibromatosis, type 1 (NF1). Also called: Neurofibromatosis, type I; NEUROFIBROMATOSIS, TYPE I, SOMATIC; Peripheral type neurofibromatosis; VON RECKLINGHAUSEN DISEASE. Identifiers: Orphanet 636, MedGen C0027831, MONDO:0018975, OMIM 162200. Disease mechanism: loss of function.
Café-au-lait macules with pulmonary stenosis (WTSN). Also called: PULMONIC STENOSIS WITH CAFE-AU-LAIT SPOTS. Identifiers: MedGen C0553586, MONDO:0008672, OMIM 193520.
Juvenile myelomonocytic leukemia (JMML). Also called: LEUKEMIA, JUVENILE MYELOMONOCYTIC, SOMATIC. Identifiers: Orphanet 86834, MedGen C0349639, MONDO:0011908, OMIM 607785, HP:0012209.
Neurofibromatosis-Noonan syndrome (NFNS). Also called: NEUROFIBROMATOSIS WITH NOONAN PHENOTYPE. Identifiers: Orphanet 638, MedGen C2931482, MONDO:0011035, OMIM 601321. Disease mechanism: loss of function.
Neurofibromatosis, familial spinal (FSNF). Identifiers: Orphanet 636, MedGen C1834235, MONDO:0008078, OMIM 162210. Disease mechanism: loss of function.

Allele frequency attached by ClinVar (database versions not stated): gnomAD exomes below 0.00001; TOPMed below 0.00001; gnomAD 0.00001.
gnomAD v4.1: 7 of 1,614,044 alleles (0.00043%); highest among the groups gnomAD compares: East Asian, 0.0022%; no homozygotes.

Submissions (4):

Labcorp Genetics (formerly Invitae), Labcorp
Classification: Likely benign for Neurofibromatosis, type 1. Last evaluated: 2026-01-28. Review status: criteria provided, single submitter. Criteria: Invitae Variant Classification Sherloc (09022015). Collection method: clinical testing. Allele origin: germline.

Ambry Genetics
Classification: Uncertain significance for Cardiovascular phenotype; Hereditary cancer-predisposing syndrome. Last evaluated: 2024-03-09. Review status: criteria provided, single submitter. Criteria: Ambry Variant Classification Scheme 2023. Collection method: clinical testing. Allele origin: germline.
Comment: The p.S2326G variant (also known as c.6976A>G), located in coding exon 46 of the NF1 gene, results from an A to G substitution at nucleotide position 6976. The serine at codon 2326 is replaced by glycine, an amino acid with similar properties. This amino acid position is well conserved in available vertebrate species. In addition, this alteration is predicted to be tolerated by in silico analysis. Since supporting evidence is limited at this time, the clinical significance of this alteration remains unclear.

Fulgent Genetics
Classification: Uncertain significance for Neurofibromatosis, type 1; Neurofibromatosis, familial spinal; Café-au-lait macules with pulmonary stenosis; Neurofibromatosis-Noonan syndrome; Juvenile myelomonocytic leukemia. Last evaluated: 2021-12-22. Review status: criteria provided, single submitter. Criteria: ACMG Guidelines, 2015. Collection method: clinical testing. Allele origin: unknown.

PreventionGenetics, part of Exact Sciences
Classification: Uncertain significance for NF1-related condition. Last evaluated: 2024-02-21. Review status: no assertion criteria provided. Collection method: clinical testing. Allele origin: germline. Not counted in ClinVar's aggregate classification.
Comment: The NF1 c.7039A>G variant is predicted to result in the amino acid substitution p.Ser2347Gly. To our knowledge, this variant has not been reported in the literature or in a large population database, indicating this variant is rare. At this time, the clinical significance of this variant is uncertain due to the absence of conclusive functional and genetic evidence.

NM_001042492.3(NF1):c.7039A>G (p.Ser2347Gly)

Gene: NF1 (neurofibromin 1; plus strand). Cytogenetic location: 17q11.2.
Variant type: single nucleotide variant.
Coding change: c.7039A>G on transcript NM_001042492.3 (MANE Select); coding-DNA position 7039, A replaced by G.
Protein change: p.Ser2347Gly; replaces serine 2347 with glycine.
Molecular consequence: missense variant.
Genome position (GRCh38, 1-based): chr17:31,340,622, A>G. VCF-style: chr17-31340622-A-G. GRCh37 (hg19) VCF-style: chr17-29667640-A-G.
Other names: c.6976A>G, p.Ser2326Gly (NM_000267.4); short protein forms S2347G, S2326G.
Identifiers: ClinVar variation 404518 (VCV000404518.14), dbSNP rs1060500318, ClinGen allele CA16615580.